The following is an entry in ClinVar:

ClinVar aggregate classification (germline): Uncertain significance. Review status: criteria provided, multiple submitters, no conflicts (2 of 4 stars). 2 submissions from 2 submitters: Uncertain significance (2). Last evaluated 2025-06-30.

Allele frequency attached by ClinVar (database versions not stated): ExAC 0.00002; gnomAD 0.00004; gnomAD exomes 0.00004 and 0.00007; TOPMed 0.00004; ESP Exome Variant Server 0.00008.
gnomAD v4.1: 101 of 1,613,238 alleles (0.0063%); highest among the groups gnomAD compares: Middle Eastern, 0.016%; no homozygotes.

Submissions (2):

Labcorp Genetics (formerly Invitae), Labcorp
Classification: Uncertain significance. Last evaluated: 2025-06-30. Review status: criteria provided, single submitter. Criteria: Invitae Variant Classification Sherloc (09022015). Collection method: clinical testing. Allele origin: germline.
Comment: This sequence change falls in intron 5 of the UNC80 gene. It does not directly change the encoded amino acid sequence of the UNC80 protein. It affects a nucleotide within the consensus splice site. This variant is present in population databases (rs201376710, gnomAD 0.007%). This variant has not been reported in the literature in individuals affected with UNC80-related conditions. ClinVar contains an entry for this variant (Variation ID: 1518982). Variants that disrupt the consensus splice site are a relatively common cause of aberrant splicing (PMID: 17576681, 9536098). Algorithms developed to predict the effect of sequence changes on RNA splicing suggest that this variant is not likely to affect RNA splicing. In summary, the available evidence is currently insufficient to determine the role of this variant in disease. Therefore, it has been classified as a Variant of Uncertain Significance.

Blueprint Genetics
Classification: Uncertain significance. Last evaluated: 2024-10-23. Review status: criteria provided, single submitter. Criteria: ACMG Guidelines, 2015. Collection method: clinical testing. Allele origin: germline.

Literature cited by the submitters: PubMed 17576681 (cited by Labcorp Genetics (formerly Invitae), Labcorp); PubMed 9536098 (cited by Labcorp Genetics (formerly Invitae), Labcorp).

NM_001371986.1(UNC80):c.724+6T>G

Gene: UNC80 (unc-80 subunit of NALCN channel complex; plus strand). Cytogenetic location: 2q34.
Variant type: single nucleotide variant.
Coding change: c.724+6T>G on transcript NM_001371986.1 (MANE Select); 6 bases into the intron after coding-DNA position 724, T replaced by G.
Molecular consequence: intron variant.
Genome position (GRCh38, 1-based): chr2:209,786,195, T>G. VCF-style: chr2-209786195-T-G. GRCh37 (hg19) VCF-style: chr2-210650919-T-G.
Other names: c.724+6T>G (NM_032504.2, NM_182587.4).
Identifiers: ClinVar variation 1518982 (VCV001518982.5), dbSNP rs201376710, ClinGen allele CA2082817.